The following is an entry in ClinVar:

NM_004380.3(CREBBP):c.790A>G (p.Met264Val)

Gene: CREBBP (CREB binding lysine acetyltransferase; minus strand). Cytogenetic location: 16p13.3.
Variant type: single nucleotide variant.
Coding change: c.790A>G on transcript NM_004380.3 (MANE Select); coding-DNA position 790, A replaced by G.
Protein change: p.Met264Val; replaces methionine 264 with valine.
Molecular consequence: missense variant.
Genome position (GRCh38, 1-based): chr16:3,850,305, T>C on the plus strand (A>G on the coding strand, the complement: CREBBP is on the minus strand). VCF-style: chr16-3850305-T-C. GRCh37 (hg19) VCF-style: chr16-3900306-T-C.
Other names: c.790A>G, p.Met264Val (NM_001079846.1); short protein forms M264V.
Identifiers: ClinVar variation 3356944 (VCV003356944.2).

ClinVar aggregate classification (germline): Uncertain significance. Review status: criteria provided, single submitter (1 of 4 stars). 2 submissions from 2 submitters: Uncertain significance (1). 1 of the submissions does not count toward it. Last evaluated 2025-10-21.

Conditions:
CREBBP-related disorder. Also called: CREBBP-related condition; CREBBP-related disorders.
Inborn genetic diseases. Identifiers: MedGen C0950123, MeSH D030342.

gnomAD v4.1: 4 of 1,614,234 alleles (0.00025%); highest among the groups gnomAD compares: Middle Eastern, 0.016%; no homozygotes.

Submissions (2):

Ambry Genetics
Classification: Uncertain significance for Inborn genetic diseases. Last evaluated: 2025-10-21. Review status: criteria provided, single submitter. Criteria: Ambry Variant Classification Scheme 2023. Collection method: clinical testing. Allele origin: germline.

PreventionGenetics, part of Exact Sciences
Classification: Uncertain significance for CREBBP-related condition. Last evaluated: 2024-05-08. Review status: no assertion criteria provided. Collection method: clinical testing. Allele origin: germline. Not counted in ClinVar's aggregate classification.
Comment: The CREBBP c.790A>G variant is predicted to result in the amino acid substitution p.Met264Val. To our knowledge, this variant has not been reported in the literature or in a large population database, indicating this variant is rare. At this time, the clinical significance of this variant is uncertain due to the absence of conclusive functional and genetic evidence.